The following is an entry in ClinVar:

NM_003982.4(SLC7A7):c.269A>C (p.Tyr90Ser)

Gene: SLC7A7 (solute carrier family 7 member 7; minus strand). Cytogenetic location: 14q11.2.
Variant type: single nucleotide variant.
Coding change: c.269A>C on transcript NM_003982.4 (MANE Select); coding-DNA position 269, A replaced by C.
Protein change: p.Tyr90Ser; replaces tyrosine 90 with serine.
Molecular consequence: missense variant.
Genome position (GRCh38, 1-based): chr14:22,813,130, T>G on the plus strand (A>C on the coding strand, the complement: SLC7A7 is on the minus strand). VCF-style: chr14-22813130-T-G. GRCh37 (hg19) VCF-style: chr14-23282339-T-G.
Other names: c.269A>C, p.Tyr90Ser (NM_001126105.3, NM_001126106.4); short protein forms Y90S.
Identifiers: ClinVar variation 2634777 (VCV002634777.1), dbSNP rs375791337, ClinGen allele CA388922383.

ClinVar aggregate classification (germline): Uncertain significance (1 of 4 stars; one submission).

Conditions:
SLC7A7-related disorder. Also called: SLC7A7-related condition.

gnomAD v4.1: 16 of 1,613,958 alleles (0.00099%); highest among the groups gnomAD compares: Non-Finnish European, 0.0013%; no homozygotes.

Submission:

PreventionGenetics, part of Exact Sciences
Classification: Uncertain significance for SLC7A7-related condition. Last evaluated: 2023-02-06. Review status: criteria provided, single submitter. Criteria: ACMG Guidelines, 2015. Collection method: clinical testing. Allele origin: germline.
Comment: The SLC7A7 c.269A>C variant is predicted to result in the amino acid substitution p.Tyr90Ser. To our knowledge, this variant has not been reported in the literature or in a large population database, indicating this variant is rare. At this time, the clinical significance of this variant is uncertain due to the absence of conclusive functional and genetic evidence.